The following is an entry in ClinVar:

ClinVar aggregate classification (germline): Uncertain significance (1 of 4 stars; one submission).

gnomAD v4.1: 17 of 1,614,220 alleles (0.0011%); highest among the groups gnomAD compares: Non-Finnish European, 0.0012%; no homozygotes.

Submission:

Ambry Genetics
Classification: Uncertain significance. Last evaluated: 2024-12-08. Review status: criteria provided, single submitter. Criteria: Ambry Variant Classification Scheme 2023. Collection method: clinical testing. Allele origin: germline.
Comment: The p.A1182S variant (also known as c.3544G>T), located in coding exon 13 of the CDK12 gene, results from a G to T substitution at nucleotide position 3544. The alanine at codon 1182 is replaced by serine, an amino acid with similar properties. This amino acid position is conserved. In addition, this alteration is predicted to be tolerated by in silico analysis. Based on the available evidence, the clinical significance of this variant remains unclear.

NM_016507.4(CDK12):c.3544G>T (p.Ala1182Ser)

Gene: CDK12 (cyclin dependent kinase 12; plus strand). Cytogenetic location: 17q12.
Variant type: single nucleotide variant.
Coding change: c.3544G>T on transcript NM_016507.4 (MANE Select); coding-DNA position 3544, G replaced by T.
Protein change: p.Ala1182Ser; replaces alanine 1182 with serine.
Molecular consequence: missense variant.
Genome position (GRCh38, 1-based): chr17:39,526,100, G>T. VCF-style: chr17-39526100-G-T. GRCh37 (hg19) VCF-style: chr17-37682353-G-T.
Other names: c.3544G>T, p.Ala1182Ser (NM_015083.4); short protein forms A1182S.
Identifiers: ClinVar variation 3489398 (VCV003489398.1).